The following is an entry in ClinVar:

NM_000090.4(COL3A1):c.3085G>T (p.Gly1029Cys)

Gene: COL3A1 (collagen type III alpha 1 chain; plus strand). Cytogenetic location: 2q32.2.
Variant type: single nucleotide variant.
Coding change: c.3085G>T on transcript NM_000090.4 (MANE Select); coding-DNA position 3085, G replaced by T.
Protein change: p.Gly1029Cys; replaces glycine 1029 with cysteine.
Molecular consequence: missense variant.
Genome position (GRCh38, 1-based): chr2:189,006,251, G>T. VCF-style: chr2-189006251-G-T. GRCh37 (hg19) VCF-style: chr2-189870977-G-T.
Other names: short protein forms G1029C.
Identifiers: ClinVar variation 2886107 (VCV002886107.6), dbSNP rs1430509325, ClinGen allele CA349844979.

ClinVar aggregate classification (germline): Likely pathogenic. Review status: criteria provided, multiple submitters, no conflicts (2 of 4 stars). 3 submissions from 3 submitters: Likely pathogenic (3). Last evaluated 2026-06-26.

Conditions:
Familial thoracic aortic aneurysm and aortic dissection (TAAD). Also called: Thoracic aortic aneurysms and dissections. Identifiers: Orphanet 91387, MedGen C4707243, MONDO:0019625.
Familial aortopathy. Identifiers: MedGen CN078214.
Ehlers-Danlos syndrome, type 4 (EDSVASC). Also called: Ehlers-Danlos syndrome vascular type; Ehlers Danlos syndrome, ecchymotic type; Ehlers Danlos syndrome, arterial type; Ehlers Danlos syndrome, Sack-Barabas type; Ehlers-Danlos Syndrome Type IV. Identifiers: Orphanet 286, MedGen C0268338, MONDO:0017314, OMIM 130050.

Allele frequency attached by ClinVar (database versions not stated): gnomAD 0.00001.
gnomAD v4.1: 1 of 1,614,006 alleles (0.000062%); highest among the groups gnomAD compares: Non-Finnish European, 0.000085%; no homozygotes.

Submissions (3):

Ambry Genetics
Classification: Likely pathogenic for Familial thoracic aortic aneurysm and aortic dissection. Last evaluated: 2026-06-26. Review status: criteria provided, single submitter. Criteria: Ambry Variant Classification Scheme 2023. Collection method: clinical testing. Allele origin: germline.
Comment: The c.3085G>T (p.G1029C) alteration is located in exon 42 (coding exon 42) of the COL3A1 gene. This alteration results from a G to T substitution at nucleotide position 3085, causing the glycine (G) at amino acid position 1029 to be replaced by a cysteine (C). Based on data from gnomAD, the T allele has an overall frequency of 0.003% (1/31408) total alleles studied. The highest observed frequency was 0.007% (1/15434) of European (non-Finnish) alleles. This amino acid position is highly conserved in available vertebrate species. The majority (approximately two-thirds) ofCOL3A1mutations identified to date have involved the substitution of another amino acid for glycine within the triple-helical domain (Pepin, 2014; Frank, 2015). Internal structural analysis indicates that this alteration disrupts the characteristic G-X-Y motif in theCOL3A1protein and inserts a bulky side chain into asterically-constrainedregion (Bella, 1994; Hohenester, 2008; Ambry internal data). This alteration is predicted to be deleterious by in silico analysis. Based on the available evidence, this alteration is classified as likely pathogenic.

Labcorp Genetics (formerly Invitae), Labcorp
Classification: Likely pathogenic for Ehlers-Danlos syndrome, type 4. Last evaluated: 2025-04-10. Review status: criteria provided, single submitter. Criteria: Invitae Variant Classification Sherloc (09022015). Collection method: clinical testing. Allele origin: germline.
Comment: This sequence change replaces glycine, which is neutral and non-polar, with cysteine, which is neutral and slightly polar, at codon 1029 of the COL3A1 protein (p.Gly1029Cys). This variant is present in population databases (no rsID available, gnomAD 0.007%). This variant has not been reported in the literature in individuals affected with COL3A1-related conditions. ClinVar contains an entry for this variant (Variation ID: 2886107). Invitae Evidence Modeling of protein sequence and biophysical properties (such as structural, functional, and spatial information, amino acid conservation, physicochemical variation, residue mobility, and thermodynamic stability) indicates that this missense variant is expected to disrupt COL3A1 protein function with a positive predictive value of 95%. This variant disrupts the triple helix domain of COL3A1. Glycine residues within the Gly-Xaa-Yaa repeats of the triple helix domain are required for the structure and stability of fibrillar collagens (PMID: 7695699, 8218237, 19344236). In COL3A1, variants that affect these glycine residues are significantly enriched in individuals with disease (PMID: 24922459, 25758994) compared to the general population (ExAC). In summary, the currently available evidence indicates that the variant is pathogenic, but additional data are needed to prove that conclusively. Therefore, this variant has been classified as Likely Pathogenic.

Women's Health and Genetics/Laboratory Corporation of America, LabCorp
Classification: Likely pathogenic for Familial aortopathy. Last evaluated: 2024-07-23. Review status: criteria provided, single submitter. Criteria: LabCorp Variant Classification Summary - May 2015. Collection method: clinical testing. Allele origin: germline.
Comment: Variant summary: COL3A1 c.3085G>T (p.Gly1029Cys) results in a non-conservative amino acid change in the encoded protein sequence. Five of five in-silico tools predict a damaging effect of the variant on protein function. The variant was absent in 251414 control chromosomes. To our knowledge, no occurrence of c.3085G>T in individuals affected with Aortopathy and no experimental evidence demonstrating its impact on protein function have been reported. This missense variant disrupts a critical glycine residue at position 1 of a Gly-X-Y repeat in the collagenous domain of COL3A1, and variants affecting these glycine residues are significantly enriched in individuals with disease (PMID: 24922459). ClinVar contains an entry for this variant (Variation ID: 2886107). Based on the evidence outlined above, the variant was classified as likely pathogenic.

Literature cited by the submitters: PubMed 7695699 (cited by Ambry Genetics and Labcorp Genetics (formerly Invitae), Labcorp); PubMed 19011090 (cited by Ambry Genetics); PubMed 24922459 (cited by Ambry Genetics and Labcorp Genetics (formerly Invitae), Labcorp); PubMed 25758994 (cited by Ambry Genetics and Labcorp Genetics (formerly Invitae), Labcorp); PubMed 8218237 (cited by Labcorp Genetics (formerly Invitae), Labcorp); PubMed 19344236 (cited by Labcorp Genetics (formerly Invitae), Labcorp).